The following is an entry in ClinVar:

ClinVar aggregate classification (germline): Uncertain significance (1 of 4 stars; one submission).

Allele frequency attached by ClinVar (database versions not stated): ExAC 0.00001; gnomAD 0.00001; gnomAD exomes 0.00001; TOPMed 0.00002; ESP Exome Variant Server 0.00008.
gnomAD v4.1: 5 of 1,613,684 alleles (0.00031%); highest among the groups gnomAD compares: East Asian, 0.0089%; no homozygotes.

Submission:

Labcorp Genetics (formerly Invitae), Labcorp
Classification: Uncertain significance. Last evaluated: 2024-05-14. Review status: criteria provided, single submitter. Criteria: Invitae Variant Classification Sherloc (09022015). Collection method: clinical testing. Allele origin: germline.
Comment: This sequence change replaces isoleucine, which is neutral and non-polar, with valine, which is neutral and non-polar, at codon 70 of the DSG1 protein (p.Ile70Val). This variant is present in population databases (rs145119037, gnomAD 0.03%). This variant has not been reported in the literature in individuals affected with DSG1-related conditions. ClinVar contains an entry for this variant (Variation ID: 1994708). Advanced modeling of protein sequence and biophysical properties (such as structural, functional, and spatial information, amino acid conservation, physicochemical variation, residue mobility, and thermodynamic stability) performed at Invitae indicates that this missense variant is not expected to disrupt DSG1 protein function with a negative predictive value of 80%. In summary, the available evidence is currently insufficient to determine the role of this variant in disease. Therefore, it has been classified as a Variant of Uncertain Significance.

NM_001942.4(DSG1):c.208A>G (p.Ile70Val)

Gene: DSG1 (desmoglein 1; plus strand). Cytogenetic location: 18q12.1.
Variant type: single nucleotide variant.
Coding change: c.208A>G on transcript NM_001942.4 (MANE Select); coding-DNA position 208, A replaced by G.
Protein change: p.Ile70Val; replaces isoleucine 70 with valine.
Molecular consequence: missense variant.
Genome position (GRCh38, 1-based): chr18:31,326,997, A>G. VCF-style: chr18-31326997-A-G. GRCh37 (hg19) VCF-style: chr18-28906960-A-G.
Other names: short protein forms I70V.
Identifiers: ClinVar variation 1994708 (VCV001994708.4), dbSNP rs145119037, ClinGen allele CA8925778.